The following is an entry in ClinVar:

NM_006005.3(WFS1):c.1943G>T (p.Trp648Leu)

Gene: WFS1 (wolframin ER transmembrane glycoprotein; plus strand). Cytogenetic location: 4p16.1.
Variant type: single nucleotide variant.
Coding change: c.1943G>T on transcript NM_006005.3 (MANE Select); coding-DNA position 1943, G replaced by T.
Protein change: p.Trp648Leu; replaces tryptophan 648 with leucine.
Molecular consequence: missense variant.
Genome position (GRCh38, 1-based): chr4:6,301,738, G>T. VCF-style: chr4-6301738-G-T. GRCh37 (hg19) VCF-style: chr4-6303465-G-T.
Other names: c.1943G>T, p.Trp648Leu (NM_001145853.1); short protein forms W648L.
Identifiers: ClinVar variation 45444 (VCV000045444.10), dbSNP rs150465110, ClinGen allele CA136342.

ClinVar aggregate classification (germline): Uncertain significance. Review status: criteria provided, multiple submitters, no conflicts (2 of 4 stars). 4 submissions from 4 submitters: Uncertain significance (4). Last evaluated 2023-11-14.

Conditions:
Inborn genetic diseases. Identifiers: MedGen C0950123, MeSH D030342.
Type 2 diabetes mellitus. Also called: Type II diabetes mellitus. Identifiers: MedGen C0011860, MeSH D003924, MONDO:0005148, OMIM 125853, HP:0005978.
Autosomal dominant nonsyndromic hearing loss 6 (LFSNHL). Also called: DEAFNESS, AUTOSOMAL DOMINANT 6; DEAFNESS, AUTOSOMAL DOMINANT 14; DEAFNESS, AUTOSOMAL DOMINANT 38; Autosomal dominant nonsyndromic deafness 6. Identifiers: Orphanet 90635, MedGen C1833021, MONDO:0010963, OMIM 600965.
Wolfram syndrome 1 (WFS1). Identifiers: Orphanet 3463, MedGen C4551693, MONDO:0009101, OMIM 222300.
Wolfram-like syndrome. Also called: HEARING LOSS, PROGRESSIVE, WITH OPTIC ATROPHY AND/OR IMPAIRED GLUCOSE REGULATION. Identifiers: Orphanet 411590, MedGen C3280358, MONDO:0013673, OMIM 614296.
Cataract 41 (CTRCT41). Also called: CATARACT 41, CONGENITAL NUCLEAR TYPE. Identifiers: Orphanet 91492, Orphanet 98991, Orphanet 98992, Orphanet 98995, MedGen C3805412, MONDO:0007287, OMIM 116400.

gnomAD v4.1: 8 of 1,613,846 alleles (0.0005%); highest among the groups gnomAD compares: Non-Finnish European, 0.00068%; no homozygotes.

Submissions (4):

Ambry Genetics
Classification: Uncertain significance for Inborn genetic diseases. Last evaluated: 2023-11-14. Review status: criteria provided, single submitter. Criteria: Ambry Variant Classification Scheme 2023. Collection method: clinical testing. Allele origin: germline.

Labcorp Genetics (formerly Invitae), Labcorp
Classification: Uncertain significance. Last evaluated: 2023-05-18. Review status: criteria provided, single submitter. Criteria: Invitae Variant Classification Sherloc (09022015). Collection method: clinical testing. Allele origin: germline.
Comment: This variant has not been reported in the literature in individuals affected with WFS1-related conditions. In summary, the available evidence is currently insufficient to determine the role of this variant in disease. Therefore, it has been classified as a Variant of Uncertain Significance. Advanced modeling of protein sequence and biophysical properties (such as structural, functional, and spatial information, amino acid conservation, physicochemical variation, residue mobility, and thermodynamic stability) has been performed at Invitae for this missense variant, however the output from this modeling did not meet the statistical confidence thresholds required to predict the impact of this variant on WFS1 protein function. ClinVar contains an entry for this variant (Variation ID: 45444). This variant is present in population databases (rs150465110, gnomAD 0.002%). This sequence change replaces tryptophan, which is neutral and slightly polar, with leucine, which is neutral and non-polar, at codon 648 of the WFS1 protein (p.Trp648Leu).

Fulgent Genetics
Classification: Uncertain significance for Cataract 41; Type 2 diabetes mellitus; Wolfram syndrome 1; Autosomal dominant nonsyndromic hearing loss 6; Wolfram-like syndrome. Last evaluated: 2021-07-27. Review status: criteria provided, single submitter. Criteria: ACMG Guidelines, 2015. Collection method: clinical testing. Allele origin: unknown.

Laboratory for Molecular Medicine, Mass General Brigham Personalized Medicine
Classification: Uncertain significance. Last evaluated: 2013-01-17. Review status: criteria provided, single submitter. Criteria: LMM Criteria. Collection method: clinical testing. Allele origin: germline. Observed: 1 variant allele.
Comment: The Trp648Leu variant in WFS1 has not been reported in the literature nor previo usly identified by our laboratory. Computational analyses (biochemical amino aci d properties, conservation, AlignGVGD, PolyPhen2, and SIFT) provide inconsistent predictions on the impact of the variant on the protein. Therefore, additional data is needed to determine the clinical significance of this variant.